The following is an entry in ClinVar:

NM_001378183.1(PIEZO2):c.1883-8A>T

Gene: PIEZO2 (piezo type mechanosensitive ion channel component 2; minus strand). Cytogenetic location: 18p11.22.
Variant type: single nucleotide variant.
Coding change: c.1883-8A>T on transcript NM_001378183.1 (MANE Select); 8 bases into the intron before coding-DNA position 1883, A replaced by T.
Molecular consequence: intron variant.
Genome position (GRCh38, 1-based): chr18:10,789,373, T>A on the plus strand (A>T on the coding strand, the complement: PIEZO2 is on the minus strand). VCF-style: chr18-10789373-T-A. GRCh37 (hg19) VCF-style: chr18-10789371-T-A.
Other names: c.1883-8A>T (NM_022068.3, NM_022068.4).
Identifiers: ClinVar variation 2066698 (VCV002066698.5), dbSNP rs953533034, ClinGen allele CA296001883.

ClinVar aggregate classification (germline): Conflicting classifications of pathogenicity. Review status: criteria provided, conflicting classifications (1 of 4 stars). 2 submissions from 2 submitters: Uncertain significance (1); Likely benign (1). Last evaluated 2026-01-13.

Conditions:
PIEZO2-related disorder. Also called: PIEZO2-related condition; PIEZO2-related disorders.

Allele frequency attached by ClinVar (database versions not stated): gnomAD 0.00020.
gnomAD v4.1: 54 of 1,532,008 alleles (0.0035%); highest among the groups gnomAD compares: African/African-American, 0.066%; no homozygotes.

Submissions (2):

Labcorp Genetics (formerly Invitae), Labcorp
Classification: Likely benign. Last evaluated: 2026-01-13. Review status: criteria provided, single submitter. Criteria: Invitae Variant Classification Sherloc (09022015). Collection method: clinical testing. Allele origin: germline.

PreventionGenetics, part of Exact Sciences
Classification: Uncertain significance for PIEZO2-related condition. Last evaluated: 2023-02-20. Review status: criteria provided, single submitter. Criteria: ACMG Guidelines, 2015. Collection method: clinical testing. Allele origin: germline.
Comment: The PIEZO2 c.1883-8A>T variant is predicted to interfere with splicing. To our knowledge, this variant has not been reported in the literature. This variant is reported in 0.068% of alleles in individuals of African descent in gnomAD. At this time, the clinical significance of this variant is uncertain due to the absence of conclusive functional and genetic evidence.